The following is an entry in ClinVar:

ClinVar aggregate classification (germline): Uncertain significance (1 of 4 stars; one submission).

gnomAD v4.1: 3 of 1,551,548 alleles (0.00019%); highest among the groups gnomAD compares: Admixed American, 0.0059%; no homozygotes.

Submission:

Labcorp Genetics (formerly Invitae), Labcorp
Classification: Uncertain significance. Last evaluated: 2022-08-15. Review status: criteria provided, single submitter. Criteria: Invitae Variant Classification Sherloc (09022015). Collection method: clinical testing. Allele origin: germline.
Comment: This sequence change replaces glycine, which is neutral and non-polar, with arginine, which is basic and polar, at codon 283 of the KPNA7 protein (p.Gly283Arg). This variant is present in population databases (no rsID available, gnomAD 0.01%). This variant has not been reported in the literature in individuals affected with KPNA7-related conditions. Algorithms developed to predict the effect of missense changes on protein structure and function are either unavailable or do not agree on the potential impact of this missense change (SIFT: "Tolerated"; PolyPhen-2: "Probably Damaging"; Align-GVGD: "Class C0"). In summary, the available evidence is currently insufficient to determine the role of this variant in disease. Therefore, it has been classified as a Variant of Uncertain Significance.

NM_001145715.3(KPNA7):c.847G>C (p.Gly283Arg)

Gene: KPNA7 (karyopherin subunit alpha 7; minus strand). Cytogenetic location: 7q22.1.
Variant type: single nucleotide variant.
Coding change: c.847G>C on transcript NM_001145715.3 (MANE Select); coding-DNA position 847, G replaced by C.
Protein change: p.Gly283Arg; replaces glycine 283 with arginine.
Molecular consequence: missense variant.
Genome position (GRCh38, 1-based): chr7:99,188,353, C>G on the plus strand (G>C on the coding strand, the complement: KPNA7 is on the minus strand). VCF-style: chr7-99188353-C-G. GRCh37 (hg19) VCF-style: chr7-98785976-C-G.
Other names: short protein forms G283R.
Identifiers: ClinVar variation 2037305 (VCV002037305.4), dbSNP rs1486759654, ClinGen allele CA368419672.